The following is an entry in ClinVar:

NM_002667.5(PLN):c.67C>G (p.Gln23Glu)

Genes: CEP85L (centrosomal protein 85 like; minus strand), PLN (phospholamban; plus strand). Cytogenetic location: 6q22.31.
Variant type: single nucleotide variant.
Coding change: c.67C>G on transcript NM_002667.5 (MANE Select); coding-DNA position 67, C replaced by G.
Protein change: p.Gln23Glu; replaces glutamine 23 with glutamic acid.
Molecular consequence: missense variant. On other transcripts: intron variant (3).
Genome position (GRCh38, 1-based): chr6:118,558,988, C>G. VCF-style: chr6-118558988-C-G. GRCh37 (hg19) VCF-style: chr6-118880151-C-G.
Other names: c.1029+6541G>C (NM_001178035.2); c.1020+6541G>C (NM_001042475.3, NM_206921.3); short protein forms Q23E.
Identifiers: ClinVar variation 229153 (VCV000229153.5), dbSNP rs876657955, ClinGen allele CA10576678.

ClinVar aggregate classification (germline): Uncertain significance (1 of 4 stars; one submission).

Submission:

Laboratory for Molecular Medicine, Mass General Brigham Personalized Medicine
Classification: Uncertain significance. Last evaluated: 2015-03-11. Review status: criteria provided, single submitter. Criteria: LMM Criteria. Collection method: clinical testing. Allele origin: germline. Observed: 2 variant alleles.
Comment: The p.Gln23Glu variant in PLN has not been previously reported in individuals wi th cardiomyopathy and was absent from large population studies. Computational pr ediction tools and conservation analyses do not provide strong support for or ag ainst an impact to the protein. In summary, the clinical significance of the p.G ln23Glu variant is uncertain.